The following is an entry in ClinVar:

NM_015331.3(NCSTN):c.1318G>C (p.Val440Leu)

Gene: NCSTN (nicastrin; plus strand). Cytogenetic location: 1q23.2.
Variant type: single nucleotide variant.
Coding change: c.1318G>C on transcript NM_015331.3 (MANE Select); coding-DNA position 1318, G replaced by C.
Protein change: p.Val440Leu; replaces valine 440 with leucine.
Molecular consequence: missense variant.
Genome position (GRCh38, 1-based): chr1:160,354,256, G>C. VCF-style: chr1-160354256-G-C. GRCh37 (hg19) VCF-style: chr1-160324046-G-C.
Other names: c.1318G>C (NM_015331.2); c.1258G>C, p.Val420Leu (NM_001290184.2); c.904G>C, p.Val302Leu (NM_001290186.2); c.1318G>C, p.Val440Leu (NM_001349729.2); short protein forms V302L, V420L, V440L.
Identifiers: ClinVar variation 2796003 (VCV002796003.4), dbSNP rs778483708, ClinGen allele CA1198959.

ClinVar aggregate classification (germline): Uncertain significance. Review status: criteria provided, multiple submitters, no conflicts (2 of 4 stars). 2 submissions from 2 submitters: Uncertain significance (2). Last evaluated 2024-08-19.

Conditions:
Inborn genetic diseases. Identifiers: MedGen C0950123, MeSH D030342.

Allele frequency attached by ClinVar (database versions not stated): TOPMed below 0.00001; gnomAD 0.00001; ExAC 0.00002.
gnomAD v4.1: 26 of 1,614,020 alleles (0.0016%); highest among the groups gnomAD compares: Non-Finnish European, 0.0022%; no homozygotes.

Submissions (2):

Ambry Genetics
Classification: Uncertain significance for Inborn genetic diseases. Last evaluated: 2024-08-19. Review status: criteria provided, single submitter. Criteria: Ambry Variant Classification Scheme 2023. Collection method: clinical testing. Allele origin: germline.

Labcorp Genetics (formerly Invitae), Labcorp
Classification: Uncertain significance. Last evaluated: 2022-12-30. Review status: criteria provided, single submitter. Criteria: Invitae Variant Classification Sherloc (09022015). Collection method: clinical testing. Allele origin: germline.
Comment: Advanced modeling of protein sequence and biophysical properties (such as structural, functional, and spatial information, amino acid conservation, physicochemical variation, residue mobility, and thermodynamic stability) performed at Invitae indicates that this missense variant is not expected to disrupt NCSTN protein function. This variant has not been reported in the literature in individuals affected with NCSTN-related conditions. This variant is present in population databases (rs778483708, gnomAD 0.004%). This sequence change replaces valine, which is neutral and non-polar, with leucine, which is neutral and non-polar, at codon 440 of the NCSTN protein (p.Val440Leu). In summary, the available evidence is currently insufficient to determine the role of this variant in disease. Therefore, it has been classified as a Variant of Uncertain Significance.